The following is an entry in ClinVar:

ClinVar aggregate classification (germline): Conflicting classifications of pathogenicity. Review status: criteria provided, conflicting classifications (1 of 4 stars). 7 submissions from 7 submitters: Uncertain significance (1); Likely benign (5). 1 of the submissions does not count toward it. Last evaluated 2026-01-19.

Conditions:
FANCM-related disorder. Also called: FANCM-related condition.
Hereditary cancer-predisposing syndrome. Also called: Neoplastic Syndromes, Hereditary; Tumor predisposition; Hereditary Cancer Syndrome; Hereditary neoplastic syndrome. Identifiers: Orphanet 140162, MedGen C0027672, MeSH D009386, MONDO:0015356.
Fanconi anemia (FA). Also called: Fanconi's anemia. Identifiers: Orphanet 84, MedGen C0015625, MeSH D005199, MONDO:0019391.

Allele frequency attached by ClinVar (database versions not stated): gnomAD exomes 0.00011 and 0.00036; ExAC 0.00049; gnomAD 0.00165 and 0.00176; ESP Exome Variant Server 0.00169; TOPMed 0.00178; 1000 Genomes Project 30x 0.00219; 1000 Genomes Project 0.00240.
gnomAD v4.1: 424 of 1,613,976 alleles (0.026%); highest among the groups gnomAD compares: African/African-American, 0.49%; 3 homozygotes.

Submissions (7):

Dasa
Classification: Likely benign. Last evaluated: 2026-01-19. Review status: criteria provided, single submitter. Criteria: DASA Assertion Criteria. Collection method: clinical testing. Allele origin: germline.
Comment: NM_020937.4(FANCM):c.491A>C (p.His164Pro) is a missense variant that results in the substitution of histidine with proline. Population frequency is inconsistent with a disease-causing role for this variant, and the variant context is inconsistent with a known disease-causing mechanism. Therefore, based on the currently available evidence, this variant is classified as likely benign.

Labcorp Genetics (formerly Invitae), Labcorp
Classification: Likely benign for Fanconi anemia. Last evaluated: 2026-01-18. Review status: criteria provided, single submitter. Criteria: Invitae Variant Classification Sherloc (09022015). Collection method: clinical testing. Allele origin: germline.

Blueprint Genetics
Classification: Likely benign. Last evaluated: 2023-12-08. Review status: criteria provided, single submitter. Criteria: ACMG Guidelines, 2015. Collection method: clinical testing. Allele origin: germline.

GeneDx
Classification: Uncertain significance. Last evaluated: 2022-10-04. Review status: criteria provided, single submitter. Criteria: GeneDx Variant Classification Process June 2021. Collection method: clinical testing. Allele origin: germline. Affected: yes.
Comment: In silico analysis supports that this missense variant has a deleterious effect on protein structure/function; Observed in a patient with rosette-forming glioneuronal tumor (Lin et al., 2016); This variant is associated with the following publications: (PMID: 27626068)

Quest Diagnostics Nichols Institute San Juan Capistrano
Classification: Likely benign. Last evaluated: 2022-09-06. Review status: criteria provided, single submitter. Criteria: Quest Diagnostics criteria. Collection method: clinical testing. Allele origin: unknown.

Sema4
Classification: Likely benign for Hereditary cancer-predisposing syndrome. Last evaluated: 2020-11-25. Review status: criteria provided, single submitter. Criteria: Sema4 Curation Guidelines. Collection method: curation. Allele origin: germline.

PreventionGenetics, part of Exact Sciences
Classification: Likely benign for FANCM-related condition. Last evaluated: 2022-07-06. Review status: no assertion criteria provided. Collection method: clinical testing. Allele origin: germline. Not counted in ClinVar's aggregate classification.
Comment: This variant is classified as likely benign based on ACMG/AMP sequence variant interpretation guidelines (Richards et al. 2015 PMID: 25741868, with internal and published modifications).

Literature cited by the submitters: PubMed 27626068 (cited by Quest Diagnostics Nichols Institute San Juan Capistrano and Sema4).

NM_020937.4(FANCM):c.491A>C (p.His164Pro)

Gene: FANCM (FA complementation group M; plus strand). Cytogenetic location: 14q21.2.
Variant type: single nucleotide variant.
Coding change: c.491A>C on transcript NM_020937.4 (MANE Select); coding-DNA position 491, A replaced by C.
Protein change: p.His164Pro; replaces histidine 164 with proline.
Molecular consequence: missense variant.
Genome position (GRCh38, 1-based): chr14:45,136,522, A>C. VCF-style: chr14-45136522-A-C. GRCh37 (hg19) VCF-style: chr14-45605725-A-C.
Other names: c.491A>C, p.His164Pro (NM_001308133.2, NM_001308134.2); short protein forms H164P.
Identifiers: ClinVar variation 414850 (VCV000414850.25), dbSNP rs144278051, ClinGen allele CA7168773.
Genomic context (GRCh38, chr14:45,136,522, plus strand): 5'-AACCCTTGGTGACACAGCAGATCGAGGCTTGCTACCAGGTGATGGGTATCCCGCAATCCC[A>C]CATGGCCGAAATGACAGGTATCTTAGACTGGACTAATTTTGAAGTAAGAGCTGGGAATTC-3'
Protein context (NP_065988.1, residues 154-174): CYQVMGIPQS[His164Pro]MAEMTGSTQA